The following is an entry in ClinVar:

NM_198578.4(LRRK2):c.6187_6191del (p.Leu2062_Leu2063insTer)

Gene: LRRK2 (leucine rich repeat kinase 2; plus strand). Cytogenetic location: 12q12.
Variant type: Deletion.
Coding change: c.6187_6191del on transcript NM_198578.4 (MANE Select); coding-DNA positions 6187 to 6191, 5 bases deleted (CTCTA; older notation c.6187_6191delCTCTA).
Protein change: p.Leu2062_Leu2063insTer.
Molecular consequence: nonsense.
Genome position (GRCh38, 1-based): chr12:40,346,830-40,346,834, CTCTA deleted; deleting any 5 consecutive bases within chr12:40,346,827-40,346,834 gives the same sequence; the c. name uses the placement nearest the transcript's 3' end. VCF-style (leftmost placement, unchanged base first): chr12-40346826-ACTACT-A. GRCh37 (hg19) VCF-style: chr12-40740628-ACTACT-A.
Other names: c.6187_6191del (NM_198578.3); c.6187_6191del5 (NM_198578.3).
Identifiers: ClinVar variation 39220 (VCV000039220.26), dbSNP rs111739194, ClinGen allele CA343650.

ClinVar aggregate classification (germline): Conflicting classifications of pathogenicity. Review status: criteria provided, conflicting classifications (1 of 4 stars). 8 submissions from 8 submitters: Likely pathogenic (1); Uncertain significance (6). 1 of the submissions does not count toward it. Last evaluated 2026-04-01.

Conditions:
LRRK2-related disorder. Also called: LRRK2-related condition.
Primary ciliary dyskinesia. Also called: Ciliary dyskinesia. Identifiers: Orphanet 244, MedGen C0008780, MONDO:0016575, HP:0012265.
Autosomal dominant Parkinson disease 8. Also called: LRRK2-Related Parkinson Disease; Parkinson disease 8; Parkinson disease 8, susceptibility to. Identifiers: Orphanet 411602, MedGen C1846862, MONDO:0011764, OMIM 607060.

Submissions (8):

Department of Human Genetics, Hannover Medical School
Classification: Likely pathogenic for Primary Ciliary Dyskinesia. Last evaluated: 2026-04-01. Review status: criteria provided, single submitter. Criteria: ACMG Guidelines, 2015. Collection method: research. Allele origin: germline. Affected: no.
Comment: Classification performed by HerediClassify using the following criteria:['PM2_supporting: Variant occures does not occur as homozygous in gnomAD.', 'PVS1_protein_very_strong: Transcript ENST00000298910 is predicted to undergo NMD.']

Labcorp Genetics (formerly Invitae), Labcorp
Classification: Uncertain significance for Autosomal dominant Parkinson disease 8. Last evaluated: 2025-12-08. Review status: criteria provided, single submitter. Criteria: Invitae Variant Classification Sherloc (09022015). Collection method: clinical testing. Allele origin: germline.
Comment: This sequence change creates a premature translational stop signal (p.Leu2063*) in the LRRK2 gene. It is expected to result in an absent or disrupted protein product. However, the current clinical and genetic evidence is not sufficient to establish whether loss-of-function variants in LRRK2 cause disease. This variant is present in population databases (rs577018258, gnomAD 0.03%), and has an allele count higher than expected for a pathogenic variant. This premature translational stop signal has been observed in individual(s) with Parkinson's disease, dementia (PMID: 21885347, 24821816, 29859640, 30039155). This variant is also known as L2062fs. ClinVar contains an entry for this variant (Variation ID: 39220). Algorithms developed to predict the effect of variants on gene product structure and function are not available or were not evaluated for this variant. Experimental studies are conflicting or provide insufficient evidence to determine the effect of this variant on LRRK2 function (PMID: 25821816). In summary, the available evidence is currently insufficient to determine the role of this variant in disease. Therefore, it has been classified as a Variant of Uncertain Significance.

CeGaT Center for Human Genetics Tuebingen
Classification: Uncertain significance. Last evaluated: 2025-11-01. Review status: criteria provided, single submitter. Criteria: CeGaT Center For Human Genetics Tuebingen Variant Classification Criteria Version 2. Collection method: clinical testing. Allele origin: germline. Affected: yes. Observed: 1 variant allele.

PreventionGenetics, part of Exact Sciences
Classification: Uncertain significance for LRRK2-related condition. Last evaluated: 2025-07-14. Review status: criteria provided, single submitter. Criteria: ACMG Guidelines, 2015. Collection method: clinical testing. Allele origin: germline.
Comment: The LRRK2 c.6187_6191del5 variant is predicted to result in premature protein termination (p.Leu2063*). This variant was reported in one individual with Parkinson disease; however, it was also present in two controls (Ross et al. 2011. PubMed ID: 21885347; Refai et al. 2015. PubMed ID: 25821816). In an additional study, this variant was found in four individuals with Parkinson disease and three controls (reported as p.Leu2062fs in Blauwendraat et al. 2018. PubMed ID: 30039155). This variant is reported in 0.035% of alleles in individuals of European (Non-Finnish) descent in gnomAD, which is likely too common to be a primary cause of disease. Although we suspect this variant may be benign, at this time, the clinical significance of this variant is uncertain due to the absence of conclusive functional and genetic evidence.

Fulgent Genetics
Classification: Uncertain significance for Autosomal dominant Parkinson disease 8. Last evaluated: 2024-03-20. Review status: criteria provided, single submitter. Criteria: ACMG Guidelines, 2015. Collection method: clinical testing. Allele origin: germline.

Blueprint Genetics
Classification: Uncertain significance. Last evaluated: 2023-10-31. Review status: criteria provided, single submitter. Criteria: ACMG Guidelines, 2015. Collection method: clinical testing. Allele origin: germline.

Eurofins Ntd Llc (ga)
Classification: Uncertain significance. Last evaluated: 2015-10-01. Review status: criteria provided, single submitter. Criteria: EGL Classification Definitions 2015. Collection method: clinical testing. Allele origin: germline. Observed: 1 variant allele, 1 heterozygote.

GeneReviews
No classification provided. Condition: Autosomal dominant Parkinson disease 8. Review status: no classification provided. Collection method: literature only. Allele origin: unknown. Not counted in ClinVar's aggregate classification.

Literature cited by the submitters: PubMed 21885347 (cited by Labcorp Genetics (formerly Invitae), Labcorp); PubMed 24821816 (cited by Labcorp Genetics (formerly Invitae), Labcorp); PubMed 29859640 (cited by Labcorp Genetics (formerly Invitae), Labcorp); PubMed 30039155 (cited by Labcorp Genetics (formerly Invitae), Labcorp); PubMed 25821816 (cited by Labcorp Genetics (formerly Invitae), Labcorp); PubMed 20301387 (cited by GeneReviews); NCBI Bookshelf NBK1208 (cited by GeneReviews).